The following is an entry in ClinVar:

ClinVar aggregate classification (germline): Likely benign. Review status: criteria provided, multiple submitters, no conflicts (2 of 4 stars). 2 submissions from 2 submitters: Likely benign (2). Last evaluated 2026-03-01.

Allele frequency attached by ClinVar (database versions not stated): TOPMed below 0.00001.
gnomAD v4.1: 5 of 1,614,198 alleles (0.00031%); highest among the groups gnomAD compares: Admixed American, 0.0083%; no homozygotes.

Submissions (2):

CeGaT Center for Human Genetics Tuebingen
Classification: Likely benign. Last evaluated: 2026-03-01. Review status: criteria provided, single submitter. Criteria: CeGaT Center For Human Genetics Tuebingen Variant Classification Criteria Version 2. Collection method: clinical testing. Allele origin: germline. Affected: yes. Observed: 1 variant allele.
Comment: AGBL5: BP4, BP7

Labcorp Genetics (formerly Invitae), Labcorp
Classification: Likely benign. Last evaluated: 2023-02-01. Review status: criteria provided, single submitter. Criteria: Invitae Variant Classification Sherloc (09022015). Collection method: clinical testing. Allele origin: germline.

NM_021831.6(AGBL5):c.2421C>T (p.Pro807=)

Gene: AGBL5 (AGBL carboxypeptidase 5; plus strand). Cytogenetic location: 2p23.3.
Variant type: single nucleotide variant.
Coding change: c.2421C>T on transcript NM_021831.6 (MANE Select); coding-DNA position 2421, C replaced by T.
Protein change: p.Pro807=; no amino-acid change (proline 807 retained).
Molecular consequence: synonymous variant. On other transcripts: non-coding transcript variant (2).
Genome position (GRCh38, 1-based): chr2:27,069,638, C>T. VCF-style: chr2-27069638-C-T. GRCh37 (hg19) VCF-style: chr2-27292506-C-T.
Identifiers: ClinVar variation 1565121 (VCV001565121.12), dbSNP rs759449969, ClinGen allele CA1568248.